The following is an entry in ClinVar:

ClinVar aggregate classification (germline): Uncertain significance. Review status: criteria provided, multiple submitters, no conflicts (2 of 4 stars). 3 submissions from 3 submitters: Uncertain significance (3). Last evaluated 2025-03-05.

Conditions:
Polyposis syndrome, hereditary mixed, 2. Identifiers: Orphanet 157794, MedGen C1864730, MONDO:0012405, OMIM 610069.
Juvenile polyposis syndrome (JPS). Identifiers: Orphanet 2929, MedGen C0345893, MONDO:0017380, OMIM 174900.

Submissions (3):

Labcorp Genetics (formerly Invitae), Labcorp
Classification: Uncertain significance for Juvenile polyposis syndrome. Last evaluated: 2025-03-05. Review status: criteria provided, single submitter. Criteria: Invitae Variant Classification Sherloc (09022015). Collection method: clinical testing. Allele origin: germline.
Comment: This sequence change replaces cysteine, which is neutral and slightly polar, with phenylalanine, which is neutral and non-polar, at codon 475 of the BMPR1A protein (p.Cys475Phe). This variant is not present in population databases (gnomAD no frequency). This variant has not been reported in the literature in individuals affected with BMPR1A-related conditions. ClinVar contains an entry for this variant (Variation ID: 3073878). Invitae Evidence Modeling of protein sequence and biophysical properties (such as structural, functional, and spatial information, amino acid conservation, physicochemical variation, residue mobility, and thermodynamic stability) indicates that this missense variant is not expected to disrupt BMPR1A protein function with a negative predictive value of 80%. In summary, the available evidence is currently insufficient to determine the role of this variant in disease. Therefore, it has been classified as a Variant of Uncertain Significance.

Baylor Genetics
Classification: Uncertain significance for Polyposis syndrome, hereditary mixed, 2. Last evaluated: 2024-01-26. Review status: criteria provided, single submitter. Criteria: ACMG Guidelines, 2015. Collection method: clinical testing. Allele origin: unknown.

All of Us Research Program, National Institutes of Health
Classification: Uncertain significance for Juvenile polyposis syndrome. Last evaluated: 2023-11-30. Review status: criteria provided, single submitter. Criteria: ACMG Guidelines, 2015. Collection method: clinical testing. Allele origin: germline. Inheritance: Autosomal dominant inheritance. Observed: 1 variant allele, 1 heterozygote.
Comment: This study involves interpretation of variants in research participants for the purpose of population health screening. Participant phenotype was not available at the time of variant classification. Additional details can be found in publication PMID: 35346344, PMCID: PMC8962531

NM_004329.3(BMPR1A):c.1424G>T (p.Cys475Phe)

Gene: BMPR1A (bone morphogenetic protein receptor type 1A; plus strand). Cytogenetic location: 10q23.2.
Variant type: single nucleotide variant.
Coding change: c.1424G>T on transcript NM_004329.3 (MANE Select); coding-DNA position 1424, G replaced by T.
Protein change: p.Cys475Phe; replaces cysteine 475 with phenylalanine.
Molecular consequence: missense variant. On other transcripts: non-coding transcript variant (3).
Genome position (GRCh38, 1-based): chr10:86,923,457, G>T. VCF-style: chr10-86923457-G-T. GRCh37 (hg19) VCF-style: chr10-88683214-G-T.
Other names: c.1499G>T, p.Cys500Phe (NM_001406559.1); c.1472G>T, p.Cys491Phe (NM_001406560.1); c.1424G>T, p.Cys475Phe (NM_001406561.1, NM_001406562.1, NM_001406563.1 and 19 more transcripts); c.1418G>T, p.Cys473Phe (NM_001406583.1); c.1340G>T, p.Cys447Phe (NM_001406584.1, NM_001406585.1, NM_001406586.1 and 2 more transcripts); c.1082G>T, p.Cys361Phe (NM_001406589.1); short protein forms C361F, C447F, C473F, C475F, C491F, C500F.
Identifiers: ClinVar variation 3073878 (VCV003073878.3), dbSNP rs1843696315, ClinGen allele CA377463043.